The following is an entry in ClinVar:

NM_004304.5(ALK):c.4576G>A (p.Glu1526Lys)

Gene: ALK (ALK receptor tyrosine kinase; minus strand). Cytogenetic location: 2p23.2.
Variant type: single nucleotide variant.
Coding change: c.4576G>A on transcript NM_004304.5 (MANE Select); coding-DNA position 4576, G replaced by A.
Protein change: p.Glu1526Lys; replaces glutamic acid 1526 with lysine.
Molecular consequence: missense variant.
Genome position (GRCh38, 1-based): chr2:29,193,511, C>T on the plus strand (G>A on the coding strand, the complement: ALK is on the minus strand). VCF-style: chr2-29193511-C-T. GRCh37 (hg19) VCF-style: chr2-29416377-C-T.
Other names: c.1372G>A, p.Glu458Lys (NM_001353765.2); short protein forms E1526K, E458K.
Identifiers: ClinVar variation 1023185 (VCV001023185.12), dbSNP rs1558603565, ClinGen allele CA346460714.

ClinVar aggregate classification (germline): Uncertain significance. Review status: criteria provided, multiple submitters, no conflicts (2 of 4 stars). 2 submissions from 2 submitters: Uncertain significance (2). Last evaluated 2025-12-28.

Conditions:
Hereditary cancer-predisposing syndrome. Also called: Hereditary neoplastic syndrome; Neoplastic Syndromes, Hereditary; Tumor predisposition; Hereditary Cancer Syndrome. Identifiers: Orphanet 140162, MedGen C0027672, MeSH D009386, MONDO:0015356.
Neuroblastoma, susceptibility to, 3. Also called: ALK-Related Neuroblastic Tumor Susceptibility. Identifiers: Orphanet 635, MedGen C2751681, MONDO:0013083, OMIM 613014.

gnomAD v4.1: 1 of 1,614,148 alleles (0.000062%); highest among the groups gnomAD compares: Non-Finnish European, 0.000085%; no homozygotes.

Submissions (2):

Labcorp Genetics (formerly Invitae), Labcorp
Classification: Uncertain significance for Neuroblastoma, susceptibility to, 3. Last evaluated: 2025-12-28. Review status: criteria provided, single submitter. Criteria: Invitae Variant Classification Sherloc (09022015). Collection method: clinical testing. Allele origin: germline.
Comment: This sequence change replaces glutamic acid, which is acidic and polar, with lysine, which is basic and polar, at codon 1526 of the ALK protein (p.Glu1526Lys). This variant is not present in population databases (gnomAD no frequency). This variant has not been reported in the literature in individuals affected with ALK-related conditions. ClinVar contains an entry for this variant (Variation ID: 1023185). An algorithm developed to predict the effect of missense changes on protein structure and function (PolyPhen-2) suggests that this variant is likely to be tolerated. In summary, the available evidence is currently insufficient to determine the role of this variant in disease. Therefore, it has been classified as a Variant of Uncertain Significance.

Ambry Genetics
Classification: Uncertain significance for Hereditary cancer-predisposing syndrome. Last evaluated: 2024-08-11. Review status: criteria provided, single submitter. Criteria: Ambry Variant Classification Scheme 2023. Collection method: clinical testing. Allele origin: germline.
Comment: The p.E1526K variant (also known as c.4576G>A), located in coding exon 29 of the ALK gene, results from a G to A substitution at nucleotide position 4576. The glutamic acid at codon 1526 is replaced by lysine, an amino acid with similar properties. This amino acid position is conserved. In addition, this alteration is predicted to be tolerated by in silico analysis. Since supporting evidence is limited at this time, the clinical significance of this alteration remains unclear.